The following is an entry in ClinVar:

NM_002907.4(RECQL):c.1520A>T (p.Asn507Ile)

Gene: RECQL (RecQ like helicase; minus strand). Cytogenetic location: 12p12.1.
Variant type: single nucleotide variant.
Coding change: c.1520A>T on transcript NM_002907.4 (MANE Select); coding-DNA position 1520, A replaced by T.
Protein change: p.Asn507Ile; replaces asparagine 507 with isoleucine.
Molecular consequence: missense variant.
Genome position (GRCh38, 1-based): chr12:21,471,575, T>A on the plus strand (A>T on the coding strand, the complement: RECQL is on the minus strand). VCF-style: chr12-21471575-T-A. GRCh37 (hg19) VCF-style: chr12-21624509-T-A.
Other names: c.1520A>T, p.Asn507Ile (NM_032941.3); short protein forms N507I.
Identifiers: ClinVar variation 1774413 (VCV001774413.8), dbSNP rs1315401536, ClinGen allele CA384116236.

ClinVar aggregate classification (germline): Uncertain significance. Review status: criteria provided, multiple submitters, no conflicts (2 of 4 stars). 2 submissions from 2 submitters: Uncertain significance (2). Last evaluated 2024-10-20.

Allele frequency attached by ClinVar (database versions not stated): gnomAD exomes below 0.00001; TOPMed below 0.00001.
gnomAD v4.1: 3 of 1,612,850 alleles (0.00019%); highest among the groups gnomAD compares: Admixed American, 0.0017%; no homozygotes.

Submissions (2):

Ambry Genetics
Classification: Uncertain significance. Last evaluated: 2024-10-20. Review status: criteria provided, single submitter. Criteria: Ambry Variant Classification Scheme 2023. Collection method: clinical testing. Allele origin: germline.
Comment: The p.N507I variant (also known as c.1520A>T), located in coding exon 12 of the RECQL gene, results from an A to T substitution at nucleotide position 1520. The asparagine at codon 507 is replaced by isoleucine, an amino acid with dissimilar properties. This amino acid position is not well conserved in available vertebrate species. In addition, this alteration is predicted to be tolerated by in silico analysis. Since supporting evidence is limited at this time, the clinical significance of this alteration remains unclear.

Labcorp Genetics (formerly Invitae), Labcorp
Classification: Uncertain significance. Last evaluated: 2024-09-19. Review status: criteria provided, single submitter. Criteria: Invitae Variant Classification Sherloc (09022015). Collection method: clinical testing. Allele origin: germline.
Comment: This sequence change replaces asparagine, which is neutral and polar, with isoleucine, which is neutral and non-polar, at codon 507 of the RECQL protein (p.Asn507Ile). This variant is present in population databases (no rsID available, gnomAD 0.003%). This variant has not been reported in the literature in individuals affected with RECQL-related conditions. ClinVar contains an entry for this variant (Variation ID: 1774413). Invitae Evidence Modeling of protein sequence and biophysical properties (such as structural, functional, and spatial information, amino acid conservation, physicochemical variation, residue mobility, and thermodynamic stability) indicates that this missense variant is not expected to disrupt RECQL protein function with a negative predictive value of 80%. In summary, the available evidence is currently insufficient to determine the role of this variant in disease. Therefore, it has been classified as a Variant of Uncertain Significance.